The following is an entry in ClinVar:

ClinVar aggregate classification (germline): Likely pathogenic (1 of 4 stars; one submission).

Submission:

Labcorp Genetics (formerly Invitae), Labcorp
Classification: Likely pathogenic. Last evaluated: 2023-12-20. Review status: criteria provided, single submitter. Criteria: Invitae Variant Classification Sherloc (09022015). Collection method: clinical testing. Allele origin: germline.
Comment: This sequence change creates a premature translational stop signal (p.Pro119Argfs*65) in the NKX2-2 gene. While this is not anticipated to result in nonsense mediated decay, it is expected to disrupt the last 155 amino acid(s) of the NKX2-2 protein. This variant is not present in population databases (gnomAD no frequency). This premature translational stop signal has been observed in individuals with NKX2-2-related conditions (PMID: 24411943, 32818257; Invitae). It has also been observed to segregate with disease in related individuals. In summary, the currently available evidence indicates that the variant is pathogenic, but additional data are needed to prove that conclusively. Therefore, this variant has been classified as Likely Pathogenic.

Literature cited by the submitters: PubMed 24411943; PubMed 32818257.

NM_002509.4(NKX2-2):c.356del (p.Pro119fs)

Gene: NKX2-2 (NK2 homeobox 2; minus strand). Cytogenetic location: 20p11.22.
Variant type: Deletion.
Coding change: c.356del on transcript NM_002509.4 (MANE Select); coding-DNA position 356, one base deleted (C; older notation c.356delC).
Protein change: p.Pro119fs; shifts the reading frame from proline 119.
Molecular consequence: frameshift variant.
Genome position (GRCh38, 1-based): chr20:21,512,389, G deleted on the plus strand (C on the coding strand, the reverse complement: NKX2-2 is on the minus strand); the first of 4 consecutive G bases (chr20:21,512,389-21,512,392); deleting any one gives the same sequence. VCF-style (leftmost placement, unchanged base first): chr20-21512388-CG-C. GRCh37 (hg19) VCF-style: chr20-21493026-CG-C.
Other names: c.143del, p.Pro48fs (NM_001424411.1); c.356del, p.Pro119fs (NM_001424412.1); short protein forms P119fs, P48fs.
Identifiers: ClinVar variation 2736955 (VCV002736955.3), dbSNP rs2514699870, ClinGen allele CA2695229378.
Genomic context (GRCh38, chr20:21,512,388, plus strand): 5'-CTGCGCCTTGGAGAAAAGCACTCGCCGCTTTCGCTTCTTGCCGGCGTCCCCCCCGCCGCC[CG>C]GGGTCTCCTTGTCATTGTCCGGTGACTCGTCGGCCGAGGGCTCCGGGGACTTGGAGCTTG-3'